The following is an entry in ClinVar:

ClinVar aggregate classification (germline): Conflicting classifications of pathogenicity. Review status: criteria provided, conflicting classifications (1 of 4 stars). 2 submissions from 2 submitters: Likely pathogenic (1); Uncertain significance (1). Last evaluated 2024-10-24.

Conditions:
Early-infantile DEE. Also called: Ohtahara syndrome; Early infantile epileptic encephalopathy with suppression bursts; Early infantile epileptic encephalopathy. Identifiers: Orphanet 1934, MedGen C0393706, MONDO:0800491.

Submissions (2):

GeneDx
Classification: Likely pathogenic. Last evaluated: 2024-10-24. Review status: criteria provided, single submitter. Criteria: GeneDx Variant Classification Process June 2021. Collection method: clinical testing. Allele origin: germline. Affected: yes.
Comment: This substitution is predicted to be within the transmembrane segment S3 of the third homologous domain; In silico analysis supports that this missense variant has a deleterious effect on protein structure/function; Not observed at significant frequency in large population cohorts (gnomAD); This variant is associated with the following publications: (PMID: 33895391)

Labcorp Genetics (formerly Invitae), Labcorp
Classification: Uncertain significance for Early-infantile DEE. Last evaluated: 2024-01-18. Review status: criteria provided, single submitter. Criteria: Invitae Variant Classification Sherloc (09022015). Collection method: clinical testing. Allele origin: germline.
Comment: This sequence change replaces cysteine, which is neutral and slightly polar, with tyrosine, which is neutral and polar, at codon 1285 of the SCN1A protein (p.Cys1285Tyr). This variant is not present in population databases (gnomAD no frequency). This missense change has been observed in individual(s) with clinical features of SCN1A-related conditions (PMID: 33895391). This variant is also known as c.3821G>A, p.C1274Y. ClinVar contains an entry for this variant (Variation ID: 1016678). Advanced modeling of protein sequence and biophysical properties (such as structural, functional, and spatial information, amino acid conservation, physicochemical variation, residue mobility, and thermodynamic stability) performed at Invitae indicates that this missense variant is expected to disrupt SCN1A protein function with a positive predictive value of 95%. In summary, the available evidence is currently insufficient to determine the role of this variant in disease. Therefore, it has been classified as a Variant of Uncertain Significance.

Literature cited by the submitters: PubMed 33895391 (cited by Labcorp Genetics (formerly Invitae), Labcorp).

NM_001165963.4(SCN1A):c.3854G>A (p.Cys1285Tyr)

Genes: SCN1A (sodium voltage-gated channel alpha subunit 1; minus strand), LOC102724058 (uncharacterized LOC102724058; plus strand). Cytogenetic location: 2q24.3.
Variant type: single nucleotide variant.
Coding change: c.3854G>A on transcript NM_001165963.4 (MANE Select); coding-DNA position 3854, G replaced by A.
Protein change: p.Cys1285Tyr; replaces cysteine 1285 with tyrosine.
Molecular consequence: missense variant. On other transcripts: non-coding transcript variant (1).
Genome position (GRCh38, 1-based): chr2:166,012,134, C>T on the plus strand (G>A on the coding strand, the complement: SCN1A is on the minus strand). VCF-style: chr2-166012134-C-T. GRCh37 (hg19) VCF-style: chr2-166868644-C-T.
Other names: c.3854G>A (NM_001165963.1); c.3770G>A, p.Cys1257Tyr (NM_001165964.3, NM_001353957.2, NM_001353958.2); c.3854G>A, p.Cys1285Tyr (NM_001202435.3, NM_001353948.2); c.3821G>A, p.Cys1274Tyr (NM_001353949.2, NM_001353950.2, NM_001353951.2 and 2 more transcripts); c.3818G>A, p.Cys1273Tyr (NM_001353954.2, NM_001353955.2); c.3767G>A, p.Cys1256Tyr (NM_001353960.2); c.1412G>A, p.Cys471Tyr (NM_001353961.2); short protein forms C1256Y, C1257Y, C1273Y, C1274Y, C1285Y, C471Y.
Identifiers: ClinVar variation 1016678 (VCV001016678.10), dbSNP rs1692546613, ClinGen allele CA349053965.